The following is an entry in ClinVar:

NM_007348.4(ATF6):c.62A>G (p.His21Arg)

Gene: ATF6 (activating transcription factor 6; plus strand). Cytogenetic location: 1q23.3.
Variant type: single nucleotide variant.
Coding change: c.62A>G on transcript NM_007348.4 (MANE Select); coding-DNA position 62, A replaced by G.
Protein change: p.His21Arg; replaces histidine 21 with arginine.
Molecular consequence: missense variant.
Genome position (GRCh38, 1-based): chr1:161,766,422, A>G. VCF-style: chr1-161766422-A-G. GRCh37 (hg19) VCF-style: chr1-161736212-A-G.
Other names: c.62A>G, p.His21Arg (NM_001410890.1); short protein forms H21R.
Identifiers: ClinVar variation 1717663 (VCV001717663.5), dbSNP rs2525067571, ClinGen allele CA343381020.

ClinVar aggregate classification (germline): Uncertain significance (1 of 4 stars; one submission).

Submission:

Labcorp Genetics (formerly Invitae), Labcorp
Classification: Uncertain significance. Last evaluated: 2022-08-22. Review status: criteria provided, single submitter. Criteria: Invitae Variant Classification Sherloc (09022015). Collection method: clinical testing. Allele origin: germline.
Comment: Algorithms developed to predict the effect of missense changes on protein structure and function (SIFT, PolyPhen-2, Align-GVGD) all suggest that this variant is likely to be tolerated. This variant has not been reported in the literature in individuals affected with ATF6-related conditions. In summary, the available evidence is currently insufficient to determine the role of this variant in disease. Therefore, it has been classified as a Variant of Uncertain Significance. This variant is not present in population databases (gnomAD no frequency). This sequence change replaces histidine, which is basic and polar, with arginine, which is basic and polar, at codon 21 of the ATF6 protein (p.His21Arg).